The following is an entry in ClinVar:

ClinVar aggregate classification (germline): Conflicting classifications of pathogenicity. Review status: criteria provided, conflicting classifications (1 of 4 stars). 6 submissions from 6 submitters: Uncertain significance (4); Benign (1). 1 of the submissions does not count toward it. Last evaluated 2025-12-29.

Conditions:
Hereditary cancer-predisposing syndrome. Also called: Hereditary Cancer Syndrome; Hereditary neoplastic syndrome; Tumor predisposition; Neoplastic Syndromes, Hereditary. Identifiers: Orphanet 140162, MedGen C0027672, MeSH D009386, MONDO:0015356.
Gorlin syndrome. Also called: Nevoid Basal Cell Carcinoma Syndrome; Basal cell nevus syndrome. Identifiers: Orphanet 377, MedGen C0004779, MONDO:0007187.
PTCH1-related disorder. Also called: PTCH1-related disorders; PTCH1-related condition.

Allele frequency attached by ClinVar (database versions not stated): ExAC 0.00001; gnomAD 0.00002 and 0.00001; 1000 Genomes Project 30x 0.00016; gnomAD exomes below 0.00001 and 0.00001; 1000 Genomes Project 0.00020.
gnomAD v4.1: 11 of 1,613,664 alleles (0.00068%); highest among the groups gnomAD compares: South Asian, 0.0022%; 1 homozygote.

Submissions (6):

Center for Genomic Medicine, Rigshospitalet, Copenhagen University Hospital
Classification: Uncertain significance. Last evaluated: 2025-12-29. Review status: criteria provided, single submitter. Criteria: ACMG Guidelines, 2015. Collection method: clinical testing. Allele origin: germline.
Comment: Classification criteria: PP3

Labcorp Genetics (formerly Invitae), Labcorp
Classification: Benign for Gorlin syndrome. Last evaluated: 2025-10-28. Review status: criteria provided, single submitter. Criteria: Invitae Variant Classification Sherloc (09022015). Collection method: clinical testing. Allele origin: germline.

GeneDx
Classification: Uncertain significance. Last evaluated: 2025-06-13. Review status: criteria provided, single submitter. Criteria: GeneDx Variant Classification Process June 2021. Collection method: clinical testing. Allele origin: germline.
Comment: Not observed at significant frequency in large population cohorts (gnomAD); In silico analysis supports that this missense variant has a deleterious effect on protein structure/function; Has not been previously published as pathogenic or benign to our knowledge; This variant is associated with the following publications: (PMID: 27930734)

Ambry Genetics
Classification: Uncertain significance for Hereditary cancer-predisposing syndrome. Last evaluated: 2024-06-22. Review status: criteria provided, single submitter. Criteria: Ambry Variant Classification Scheme 2023. Collection method: clinical testing. Allele origin: germline.
Comment: The p.V548M variant (also known as c.1642G>A), located in coding exon 12 of the PTCH1 gene, results from a G to A substitution at nucleotide position 1642. The valine at codon 548 is replaced by methionine, an amino acid with highly similar properties. In a cohort of 300 deceased patients, who underwent whole-genome sequencing for 60 autosomal dominant cancer predisposition genes, this variant was detected and classified as likely benign by the authors. However, the specific phenotype of the patient(s) with this alteration was not reported (He KY et al. PLoS ONE. 2016 Dec;11:e0167847). This amino acid position is highly conserved in available vertebrate species. In addition, this alteration is predicted to be deleterious by in silico analysis. Since supporting evidence is limited at this time, the clinical significance of this alteration remains unclear.

Quest Diagnostics Nichols Institute San Juan Capistrano
Classification: Uncertain significance. Last evaluated: 2023-12-05. Review status: criteria provided, single submitter. Criteria: Quest Diagnostics criteria. Collection method: clinical testing. Allele origin: unknown.
Comment: The PTCH1 c.1642G>A (p.Val548Met) variant has not been reported in individuals with PTCH1-related conditions in the published literature. The frequency of this variant in the general population, 0.0000071 (2/281336 chromosomes (Genome Aggregation Database)), is uninformative in the assessment of its pathogenicity. Analysis of this variant using bioinformatics tools for the prediction of the effect of amino acid changes on protein structure and function yielded predictions that this variant is damaging. Based on the available information, we are unable to determine the clinical significance of this variant.

PreventionGenetics, part of Exact Sciences
Classification: Uncertain significance for PTCH1-related condition. Last evaluated: 2024-01-22. Review status: no assertion criteria provided. Collection method: clinical testing. Allele origin: germline. Not counted in ClinVar's aggregate classification.
Comment: The PTCH1 c.1642G>A variant is predicted to result in the amino acid substitution p.Val548Met. To our knowledge, this variant has not been reported in association with disorders in the literature. This variant is reported in 0.0033% of alleles in individuals of South Asian descent in gnomAD. At this time, the clinical significance of this variant is uncertain due to the absence of conclusive functional and genetic evidence.

Literature cited by the submitters: PubMed 27930734 (cited by Ambry Genetics and Quest Diagnostics Nichols Institute San Juan Capistrano); PubMed 35626111 (cited by Quest Diagnostics Nichols Institute San Juan Capistrano).

NM_000264.5(PTCH1):c.1642G>A (p.Val548Met)

Gene: PTCH1 (patched 1; minus strand). Cytogenetic location: 9q22.32.
Variant type: single nucleotide variant.
Coding change: c.1642G>A on transcript NM_000264.5 (MANE Select); coding-DNA position 1642, G replaced by A.
Protein change: p.Val548Met; replaces valine 548 with methionine.
Molecular consequence: missense variant. On other transcripts: non-coding transcript variant (1).
Genome position (GRCh38, 1-based): chr9:95,476,120, C>T on the plus strand (G>A on the coding strand, the complement: PTCH1 is on the minus strand). VCF-style: chr9-95476120-C-T. GRCh37 (hg19) VCF-style: chr9-98238402-C-T.
Other names: c.1642G>A (NM_000264.4); c.1444G>A, p.Val482Met (NM_001083602.3); c.1639G>A, p.Val547Met (NM_001083603.3); c.1189G>A, p.Val397Met (NM_001083604.3, NM_001083605.3, NM_001083606.3 and 1 more transcripts); c.1486G>A, p.Val496Met (NM_001354918.2); short protein forms V397M, V482M, V547M, V496M, V548M.
Identifiers: ClinVar variation 643394 (VCV000643394.23), dbSNP rs575035810, ClinGen allele CA5138592.